The following is an entry in ClinVar:

ClinVar aggregate classification (germline): Pathogenic (1 of 4 stars; one submission).

Submission:

Labcorp Genetics (formerly Invitae), Labcorp
Classification: Pathogenic. Last evaluated: 2024-09-12. Review status: criteria provided, single submitter. Criteria: Invitae Variant Classification Sherloc (09022015). Collection method: clinical testing. Allele origin: germline.
Comment: This sequence change creates a premature translational stop signal (p.Ser2199Valfs*14) in the KMT2A gene. It is expected to result in an absent or disrupted protein product. Loss-of-function variants in KMT2A are known to be pathogenic (PMID: 22795537, 25810209, 29574747). This variant is not present in population databases (gnomAD no frequency). This variant has not been reported in the literature in individuals affected with KMT2A-related conditions. For these reasons, this variant has been classified as Pathogenic.

Literature cited by the submitters: PubMed 22795537; PubMed 25810209; PubMed 29574747.

NM_001197104.2(KMT2A):c.6595del (p.Ser2199fs)

Gene: KMT2A (lysine methyltransferase 2A; plus strand). Cytogenetic location: 11q23.3.
Variant type: Deletion.
Coding change: c.6595del on transcript NM_001197104.2 (MANE Select); coding-DNA position 6595, one base deleted (A; older notation c.6595delA).
Protein change: p.Ser2199fs; shifts the reading frame from serine 2199.
Molecular consequence: frameshift variant.
Genome position (GRCh38, 1-based): chr11:118,502,487, A deleted. VCF-style (leftmost placement, unchanged base first): chr11-118502486-CA-C. GRCh37 (hg19) VCF-style: chr11-118373201-CA-C.
Other names: c.6685del, p.Ser2229fs (NM_001412597.1); c.6586del, p.Ser2196fs (NM_005933.4); short protein forms S2229fs, S2196fs, S2199fs.
Identifiers: ClinVar variation 3664502 (VCV003664502.2).